The following is an entry in ClinVar:

NM_025114.4(CEP290):c.5803del (p.Glu1935fs)

Gene: CEP290 (centrosomal protein 290; minus strand). Cytogenetic location: 12q21.32.
Variant type: Deletion.
Coding change: c.5803del on transcript NM_025114.4 (MANE Select); coding-DNA position 5803, one base deleted (G; older notation c.5803delG).
Protein change: p.Glu1935fs; shifts the reading frame from glutamic acid 1935.
Molecular consequence: frameshift variant.
Genome position (GRCh38, 1-based): chr12:88,071,833, C deleted on the plus strand (G on the coding strand, the reverse complement: CEP290 is on the minus strand); the first of 5 consecutive C bases (chr12:88,071,833-88,071,837); deleting any one gives the same sequence. VCF-style (leftmost placement, unchanged base first): chr12-88071832-TC-T. GRCh37 (hg19) VCF-style: chr12-88465609-TC-T.
Other names: short protein forms E1935fs.
Identifiers: ClinVar variation 1878303 (VCV001878303.4), dbSNP rs766285443, ClinGen allele CA6711639.

ClinVar aggregate classification (germline): Pathogenic/Likely pathogenic. Review status: criteria provided, multiple submitters, no conflicts (2 of 4 stars). 3 submissions from 3 submitters: Pathogenic (1); Likely pathogenic (2). Last evaluated 2022-12-14.

Conditions:
CEP290-related disorder. Also called: CEP290-related disorders; CEP290-related condition. Identifiers: MedGen CN239314.
Joubert syndrome 5 (JBTS5). Identifiers: Orphanet 2318, MedGen C1857780, MONDO:0012432, OMIM 610188.

Submissions (3):

Women's Health and Genetics/Laboratory Corporation of America, LabCorp
Classification: Likely pathogenic for CEP290-related disorder. Last evaluated: 2022-12-14. Review status: criteria provided, single submitter. Criteria: LabCorp Variant Classification Summary - May 2015. Collection method: clinical testing. Allele origin: germline.
Comment: Variant summary: CEP290 c.5803delG (p.Glu1935LysfsX5) results in a premature termination codon, predicted to cause a truncation of the encoded protein or absence of the protein due to nonsense mediated decay, which are commonly known mechanisms for disease. Truncations downstream of this position have been classified as pathogenic by our laboratory. The variant allele was found at a frequency of 4.2e-06 in 238836 control chromosomes (gnomAD). c.5803delG has been reported in the literature in at least one compound heterozygous individual affected with Rod-Cone dystrophy (Hull_2020). These data do not allow any conclusion about variant significance. To our knowledge, no experimental evidence demonstrating an impact on protein function has been reported. No clinical diagnostic laboratories have submitted clinical-significance assessments for this variant to ClinVar after 2014. Based on the evidence outlined above, the variant was classified as likely pathogenic.

Blueprint Genetics
Classification: Likely pathogenic for CEP290-related disorders. Last evaluated: 2021-11-15. Review status: criteria provided, single submitter. Criteria: ACMG Guidelines, 2015. Collection method: clinical testing. Allele origin: germline. Affected: yes. Observed: 1 variant allele.

Juno Genomics, Hangzhou Juno Genomics, Inc
Classification: Pathogenic for Joubert syndrome 5. Review status: criteria provided, single submitter. Criteria: ACMG Guidelines, 2015. Collection method: clinical testing. Allele origin: germline. Affected: yes.
Comment: Absent from controls (or at extremely low frequency if recessive) in Genome Aggregation Database, Exome Sequencing Project, 1000 Genomes Project, or Exome Aggregation Consortium.;Null variant in a gene where loss of function (LOF) is a known mechanism of disease.;Patient's phenotype or family history is highly specific for a disease with a single genetic etiology.

Literature cited by the submitters: PubMed 32856788 (cited by Women's Health and Genetics/Laboratory Corporation of America, LabCorp).